The following is an entry in ClinVar:

NM_001267550.2(TTN):c.54976_54979del (p.Asp18326fs)

Genes: TTN (titin; minus strand), TTN-AS1 (TTN antisense RNA 1; plus strand). Cytogenetic location: 2q31.2.
Variant type: Deletion.
Coding change: c.54976_54979del on transcript NM_001267550.2 (MANE Select); coding-DNA positions 54976 to 54979, 4 bases deleted (GACA; older notation c.54976_54979delGACA).
Protein change: p.Asp18326fs; shifts the reading frame from aspartic acid 18326.
Molecular consequence: frameshift variant.
Genome position (GRCh38, 1-based): chr2:178,602,423-178,602,426, TGTC deleted on the plus strand (GACA on the coding strand, the reverse complement: TTN is on the minus strand); deleting any 4 consecutive bases within chr2:178,602,423-178,602,428 gives the same sequence; the c. name uses the placement nearest the transcript's 3' end. VCF-style (leftmost placement, unchanged base first): chr2-178602422-TTGTC-T. GRCh37 (hg19) VCF-style: chr2-179467149-TTGTC-T.
Other names: c.50053_50056del, p.Asp16685fs (NM_001256850.1); c.27781_27784del, p.Asp9261fs (NM_003319.4); c.47272_47275del, p.Asp15758fs (NM_133378.4); c.28156_28159del, p.Asp9386fs (NM_133432.3); c.28357_28360del, p.Asp9453fs (NM_133437.4); c.27781_27784delGACA (NM_003319.4); short protein forms D18326fs, D15758fs, D9453fs, D16685fs, D9261fs, D9386fs.
Identifiers: ClinVar variation 1795868 (VCV001795868.3), dbSNP rs2470049545, ClinGen allele CA2580064781.

ClinVar aggregate classification (germline): Likely pathogenic. Review status: criteria provided, multiple submitters, no conflicts (2 of 4 stars). 2 submissions from 2 submitters: Likely pathogenic (2). Last evaluated 2024-11-21.

Conditions:
Cardiovascular phenotype. Identifiers: MedGen CN230736.

Submissions (2):

Revvity Omics, Revvity
Classification: Likely pathogenic. Last evaluated: 2024-11-21. Review status: criteria provided, single submitter. Criteria: ACMG Guidelines, 2015. Collection method: clinical testing. Allele origin: germline.

Ambry Genetics
Classification: Likely pathogenic for Cardiovascular phenotype. Last evaluated: 2022-04-26. Review status: criteria provided, single submitter. Criteria: Ambry Variant Classification Scheme 2023. Collection method: clinical testing. Allele origin: germline.
Comment: The c.27781_27784delGACA variant, located in coding exon 110 of the TTN gene, results from a deletion of 4 nucleotides at nucleotide positions 27781 to 27784, causing a translational frameshift with a predicted alternate stop codon (p.D9261Nfs*3). This exon is located in the A-band region of the N2-B isoform of the titin protein and is constitutively expressed in TTN transcripts (percent spliced in or PSI 100%). This variant is considered to be rare based on population cohorts in the Genome Aggregation Database (gnomAD). This alteration is expected to result in loss of function by premature protein truncation or nonsense-mediated mRNA decay. While truncating variants in TTN are present in 1-3% of the general population, truncating variants in the A-band are the most common cause of dilated cardiomyopathy (DCM) (Herman DS et al. N. Engl. J. Med., 2012 Feb;366:619-28; Roberts AM et al. Sci Transl Med, 2015 Jan;7:270ra6). TTN truncating variants encoded in constitutive exons (PSI >90%) have been found to be significantly associated with DCM regardless of their position in titin (Schafer S et al. Nat. Genet., 2017 01;49:46-53). As such, this alteration is classified as likely pathogenic.